The following is an entry in ClinVar:

NM_003705.5(SLC25A12):c.848G>A (p.Arg283His)

Gene: SLC25A12 (solute carrier family 25 member 12; minus strand). Cytogenetic location: 2q31.1.
Variant type: single nucleotide variant.
Coding change: c.848G>A on transcript NM_003705.5 (MANE Select); coding-DNA position 848, G replaced by A.
Protein change: p.Arg283His; replaces arginine 283 with histidine.
Molecular consequence: missense variant. On other transcripts: non-coding transcript variant (1).
Genome position (GRCh38, 1-based): chr2:171,826,880, C>T on the plus strand (G>A on the coding strand, the complement: SLC25A12 is on the minus strand). VCF-style: chr2-171826880-C-T. GRCh37 (hg19) VCF-style: chr2-172683390-C-T.
Other names: short protein forms R283H.
Identifiers: ClinVar variation 857065 (VCV000857065.9), dbSNP rs1558921439, ClinGen allele CA349290784.

ClinVar aggregate classification (germline): Uncertain significance (1 of 4 stars; one submission).

Allele frequency attached by ClinVar (database versions not stated): gnomAD exomes below 0.00001.
gnomAD v4.1: 4 of 1,595,382 alleles (0.00025%); highest among the groups gnomAD compares: Non-Finnish European, 0.00026%; no homozygotes.

Submission:

Labcorp Genetics (formerly Invitae), Labcorp
Classification: Uncertain significance. Last evaluated: 2022-10-24. Review status: criteria provided, single submitter. Criteria: Invitae Variant Classification Sherloc (09022015). Collection method: clinical testing. Allele origin: germline.
Comment: In summary, the available evidence is currently insufficient to determine the role of this variant in disease. Therefore, it has been classified as a Variant of Uncertain Significance. Algorithms developed to predict the effect of missense changes on protein structure and function are either unavailable or do not agree on the potential impact of this missense change (SIFT: "Deleterious"; PolyPhen-2: "Benign"; Align-GVGD: "Class C0"). ClinVar contains an entry for this variant (Variation ID: 857065). This variant has not been reported in the literature in individuals affected with SLC25A12-related conditions. This variant is not present in population databases (gnomAD no frequency). This sequence change replaces arginine, which is basic and polar, with histidine, which is basic and polar, at codon 283 of the SLC25A12 protein (p.Arg283His).